The following is an entry in ClinVar:

NM_003982.4(SLC7A7):c.106_108del (p.Glu36del)

Genes: SLC7A7 (solute carrier family 7 member 7; minus strand), LOC130055323 (ATAC-STARR-seq lymphoblastoid silent region 5589; plus strand). Cytogenetic location: 14q11.2.
Variant type: Deletion.
Coding change: c.106_108del on transcript NM_003982.4 (MANE Select); coding-DNA positions 106 to 108, 3 bases deleted (GAG; older notation c.106_108delGAG).
Protein change: p.Glu36del; deletes glutamic acid 36.
Molecular consequence: inframe deletion.
Genome position (GRCh38, 1-based): chr14:22,813,291-22,813,293, CTC deleted on the plus strand (GAG on the coding strand, the reverse complement: SLC7A7 is on the minus strand); deleting any 3 consecutive bases within chr14:22,813,291-22,813,295 gives the same sequence; the c. name uses the placement nearest the transcript's 3' end. VCF-style (leftmost placement, unchanged base first): chr14-22813290-TCTC-T. GRCh37 (hg19) VCF-style: chr14-23282499-TCTC-T.
Other names: c.105_107delGGA (NM_001126105.2); c.106_108del, p.Glu36del (NM_001126105.3, NM_001126106.4); c.106_108delGAG (NM_001126106.2); short protein forms E36del.
Identifiers: ClinVar variation 56348 (VCV000056348.7), dbSNP rs386833796, ClinGen allele CA263761.
Genomic context (GRCh38, chr14:22,813,290, plus strand): 5'-CAAAGATGCCCGAGCCGATCATGTTCCCCACAATCAGGCACACGCCGTTAAGCAGTGAGA[TCTC>T]CTTCTTCAGCTTCACCTGCTCCGGCCCTGGGCTGGCCCCATCACCCAAAGGGGAGGTTTC-3'

ClinVar aggregate classification (germline): Likely pathogenic. Review status: criteria provided, multiple submitters, no conflicts (2 of 4 stars). 3 submissions from 3 submitters: Likely pathogenic (2). 1 of the submissions does not count toward it. Last evaluated 2024-07-14.

Conditions:
Lysinuric protein intolerance (LPI). Identifiers: Orphanet 470, MedGen C0268647, MONDO:0009109, OMIM 222700.

Submissions (3):

Natera, Inc.
Classification: Likely pathogenic for Lysinuric protein intolerance. Last evaluated: 2024-07-14. Review status: criteria provided, single submitter. Criteria: Natera Variant Classification Schema (03/2026). Collection method: clinical testing. Allele origin: germline.
Comment: The c.106_108delGAG variant in SLC7A7 is an in-frame deletion predicted to remove glutamic acid at amino acid 36 while preserving the reading frame. This variant is rare in the general population with a frequency below the threshold expected for the associated phenotype(s). This variant has been observed in one or more individuals affected with the associated recessive disease, as either homozygous or compound heterozygous with a second variant (PMID: 26608393). This variant results in a change to the protein length while preserving reading frame, which may disrupt normal protein structure or function. Computational prediction algorithms indicate this variant is likely to affect gene or protein function. Given the available evidence, this variant is classified as Likely Pathogenic.

Fulgent Genetics
Classification: Likely pathogenic for Lysinuric protein intolerance. Last evaluated: 2022-01-14. Review status: criteria provided, single submitter. Criteria: ACMG Guidelines, 2015. Collection method: clinical testing. Allele origin: unknown.

Juha Muilu Group; Institute for Molecular Medicine Finland (FIMM)
Classification: Likely pathogenic for Lysinuric protein intolerance. Review status: no assertion criteria provided. Collection method: not provided. Allele origin: unknown. Not counted in ClinVar's aggregate classification.
Comment: FinDis database variant: This variant was not found or characterized by our laboratory, data were collected from public sources: see reference
ClinVar note: Converted during submission from probable-pathogenic to Likely pathogenic.

Literature cited by the submitters: PubMed 26608393 (cited by Natera, Inc.).